The following is an entry in ClinVar:

NM_001903.5(CTNNA1):c.2552C>G (p.Ser851Cys)

Gene: CTNNA1 (catenin alpha 1; plus strand). Cytogenetic location: 5q31.2.
Variant type: single nucleotide variant.
Coding change: c.2552C>G on transcript NM_001903.5 (MANE Select); coding-DNA position 2552, C replaced by G.
Protein change: p.Ser851Cys; replaces serine 851 with cysteine.
Molecular consequence: missense variant. On other transcripts: 3 prime UTR variant (5).
Genome position (GRCh38, 1-based): chr5:138,933,920, C>G. VCF-style: chr5-138933920-C-G. GRCh37 (hg19) VCF-style: chr5-138269609-C-G.
Other names: c.*97C>G (NM_001290307.3, NM_001324002.1, NM_001324003.1 and 2 more transcripts); c.2243C>G, p.Ser748Cys (NM_001290309.3); c.2183C>G, p.Ser728Cys (NM_001290310.3); c.1442C>G, p.Ser481Cys (NM_001290312.1, NM_001323987.1, NM_001323988.1 and 12 more transcripts); c.2552C>G, p.Ser851Cys (NM_001323982.2, NM_001323983.1, NM_001323984.2); c.2525C>G, p.Ser842Cys (NM_001323985.2); c.2459C>G, p.Ser820Cys (NM_001323986.2); c.1307C>G, p.Ser436Cys (NM_001324001.1); and 3 more; short protein forms S436C, S748C, S450C, S820C, S368C, S400C, S481C, S728C.
Identifiers: ClinVar variation 1389570 (VCV001389570.10), dbSNP rs763581331, ClinGen allele CA361135460.

ClinVar aggregate classification (germline): Uncertain significance. Review status: criteria provided, multiple submitters, no conflicts (2 of 4 stars). 2 submissions from 2 submitters: Uncertain significance (2). Last evaluated 2022-03-08.

Conditions:
Hereditary cancer-predisposing syndrome. Also called: Neoplastic Syndromes, Hereditary; Tumor predisposition; Hereditary neoplastic syndrome; Hereditary Cancer Syndrome. Identifiers: Orphanet 140162, MedGen C0027672, MeSH D009386, MONDO:0015356.

Submissions (2):

Ambry Genetics
Classification: Uncertain significance for Hereditary cancer-predisposing syndrome. Last evaluated: 2022-03-08. Review status: criteria provided, single submitter. Criteria: Ambry Variant Classification Scheme 2023. Collection method: clinical testing. Allele origin: germline.
Comment: The p.S851C variant (also known as c.2552C>G), located in coding exon 17 of the CTNNA1 gene, results from a C to G substitution at nucleotide position 2552. The serine at codon 851 is replaced by cysteine, an amino acid with dissimilar properties. This amino acid position is conserved. In addition, this alteration is predicted to be tolerated by in silico analysis. Since supporting evidence is limited at this time, the clinical significance of this alteration remains unclear.

Labcorp Genetics (formerly Invitae), Labcorp
Classification: Uncertain significance. Last evaluated: 2021-03-26. Review status: criteria provided, single submitter. Criteria: Invitae Variant Classification Sherloc (09022015). Collection method: clinical testing. Allele origin: germline.
Comment: Algorithms developed to predict the effect of missense changes on protein structure and function are either unavailable or do not agree on the potential impact of this missense change (SIFT: "Deleterious"; PolyPhen-2: "Possibly Damaging"; Align-GVGD: "Class C0"). This variant has not been reported in the literature in individuals with CTNNA1-related conditions. This variant is not present in population databases (ExAC no frequency). This sequence change replaces serine with cysteine at codon 851 of the CTNNA1 protein (p.Ser851Cys). The serine residue is highly conserved and there is a moderate physicochemical difference between serine and cysteine. In summary, the available evidence is currently insufficient to determine the role of this variant in disease. Therefore, it has been classified as a Variant of Uncertain Significance.